The following is an entry in ClinVar:

ClinVar aggregate classification (germline): Likely pathogenic. Review status: reviewed by expert panel (3 of 4 stars). 2 submissions from 2 submitters: Likely pathogenic (1). 1 of the submissions does not count toward it. Last evaluated 2026-05-19.

Conditions:
PIK3R1-related immunodeficiency and SHORT syndrome. Identifiers: MedGen CN379774, MONDO:1060136.
SHORT syndrome. Also called: PIK3R1-Related SHORT Syndrome; LIPODYSTROPHY, PARTIAL, WITH RIEGER ANOMALY AND SHORT STATURE; SHORT STATURE, HYPEREXTENSIBILITY, HERNIA, OCULAR DEPRESSION, RIEGER ANOMALY, AND TEETHING DELAY. Identifiers: Orphanet 3163, MedGen C0878684, MONDO:0010026, OMIM 269880.
Immunodeficiency 36 with lymphoproliferation. Also called: ACTIVATED PI3K-DELTA SYNDROME 2; Activated PI3K Delta Syndrome Type 2 (APDS2); Immunodeficiency 36. Identifiers: Orphanet 397596, Orphanet 693681, MedGen C4014934, MONDO:0014453, OMIM 616005.
Agammaglobulinemia 7, autosomal recessive (AGM7). Also called: AGAMMAGLOBULINEMIA, AUTOSOMAL RECESSIVE, DUE TO PIK3R1 DEFECT. Identifiers: MedGen C3554689, MONDO:0014083, OMIM 615214.

Submissions (2):

ClinGen Primary Immune Regulatory Disorders Variant Curation Expert Panel, ClinGen
Classification: Likely pathogenic for PIK3R1-related immunodeficiency and SHORT syndrome. Last evaluated: 2026-05-19. Review status: reviewed by expert panel. Criteria: ClinGen AbDef ACMG Specifications PIK3R1 V1.0.0. Collection method: curation. Allele origin: germline. Inheritance: Autosomal dominant inheritance.
Comment: NM_181523.3(PIK3R1):c.1344dup (p.Leu449IlefsTer3) is a frameshift variant that introduces a premature stop codon into exon 11 of 16, and is predicted to lead to nonsense-mediated decay of all three disease-relevant transcripts (PVS1). This variant is absent from gnomAD v4.1.0 (PM2_Supporting). Because the Antibody Deficiencies VCEP requires a proband to have at least 6 phenotypic points with testing of other loci, PS4_Supporting was not met (PMID: 35757720). In summary, this variant meets the criteria to be classified as likely pathogenic for autosomal dominant PIK3R1-related immunodeficiency and SHORT syndrome based on the ACMG/AMP criteria applied, as specified by the ClinGen Antibody Deficiencies VCEP: PVS1 and PM2_Supporting. (VCEP specifications version 1.0.0; date of approval 04/29/2026).

Labcorp Genetics (formerly Invitae), Labcorp
Classification: Pathogenic for SHORT syndrome; Immunodeficiency 36 with lymphoproliferation; Agammaglobulinemia 7, autosomal recessive. Last evaluated: 2022-02-03. Review status: criteria provided, single submitter. Criteria: Invitae Variant Classification Sherloc (09022015). Collection method: clinical testing. Allele origin: germline. Not counted in ClinVar's aggregate classification.
Comment: For these reasons, this variant has been classified as Pathogenic. This variant has not been reported in the literature in individuals affected with PIK3R1-related conditions. This variant is not present in population databases (gnomAD no frequency). This sequence change creates a premature translational stop signal (p.Leu449Ilefs*3) in the PIK3R1 gene. It is expected to result in an absent or disrupted protein product. Loss-of-function variants in PIK3R1 are known to be pathogenic (PMID: 22351933, 25133428).

Literature cited by the submitters: PubMed 22351933 (cited by Labcorp Genetics (formerly Invitae), Labcorp); PubMed 25133428 (cited by Labcorp Genetics (formerly Invitae), Labcorp).

NM_181523.3(PIK3R1):c.1344dup (p.Leu449fs)

Gene: PIK3R1 (phosphoinositide-3-kinase regulatory subunit 1; plus strand). Cytogenetic location: 5q13.1.
Variant type: Duplication.
Coding change: c.1344dup on transcript NM_181523.3 (MANE Select); coding-DNA position 1344, one base duplicated (A; older notation c.1344dupA).
Protein change: p.Leu449fs; shifts the reading frame from leucine 449.
Molecular consequence: frameshift variant.
Genome position (GRCh38, 1-based): chr5:68,293,753, A duplicated; the last of 6 consecutive A bases (chr5:68,293,748-68,293,753); duplicating any one gives the same sequence. VCF-style (leftmost placement, unchanged base first): chr5-68293747-G-GA. GRCh37 (hg19) VCF-style: chr5-67589575-G-GA.
Other names: NM_181523.3(PIK3R1):c.1344dup; p.Leu449fs; c.255dup, p.Leu86fs (NM_001242466.2); c.534dup, p.Leu179fs (NM_181504.4); c.444dup, p.Leu149fs (NM_181524.2); short protein forms L86fs, L179fs, L149fs, L449fs.
Identifiers: ClinVar variation 1393351 (VCV001393351.7), dbSNP rs1289537429, ClinGen allele CA2573139737.